The following is an entry in ClinVar:

NM_004092.4(ECHS1):c.740C>T (p.Ala247Val)

Gene: ECHS1 (enoyl-CoA hydratase, short chain 1; minus strand). Cytogenetic location: 10q26.3.
Variant type: single nucleotide variant.
Coding change: c.740C>T on transcript NM_004092.4 (MANE Select); coding-DNA position 740, C replaced by T.
Protein change: p.Ala247Val; replaces alanine 247 with valine.
Molecular consequence: missense variant.
Genome position (GRCh38, 1-based): chr10:133,364,725, G>A on the plus strand (C>T on the coding strand, the complement: ECHS1 is on the minus strand). VCF-style: chr10-133364725-G-A. GRCh37 (hg19) VCF-style: chr10-135178229-G-A.
Other names: short protein forms A247V.
Identifiers: ClinVar variation 802639 (VCV000802639.7), dbSNP rs762885546, ClinGen allele CA5765652.

ClinVar aggregate classification (germline): Conflicting classifications of pathogenicity. Review status: criteria provided, conflicting classifications (1 of 4 stars). 3 submissions from 3 submitters: Likely pathogenic (1); Uncertain significance (2). Last evaluated 2022-03-28.

Conditions:
Mitochondrial short-chain Enoyl-Coa hydratase 1 deficiency. Also called: Mitochondrial Short-Chain Enoyl-CoA Hydratase Deficiency; ECHS1 deficiency; PxMD-ECHS1. Identifiers: Orphanet 255241, Orphanet 653880, MedGen C4225391, MONDO:0014563, OMIM 616277.

Allele frequency attached by ClinVar (database versions not stated): gnomAD exomes below 0.00001; TOPMed below 0.00001; ExAC 0.00001; gnomAD 0.00001.

Submissions (3):

Labcorp Genetics (formerly Invitae), Labcorp
Classification: Uncertain significance. Last evaluated: 2022-03-28. Review status: criteria provided, single submitter. Criteria: Invitae Variant Classification Sherloc (09022015). Collection method: clinical testing. Allele origin: germline.
Comment: This sequence change replaces alanine, which is neutral and non-polar, with valine, which is neutral and non-polar, at codon 247 of the ECHS1 protein (p.Ala247Val). This variant is present in population databases (rs762885546, gnomAD 0.0009%). This missense change has been observed in individual(s) with clinical features of ECHS1-related conditions (PMID: 30634555, 32677093). ClinVar contains an entry for this variant (Variation ID: 802639). Algorithms developed to predict the effect of missense changes on protein structure and function are either unavailable or do not agree on the potential impact of this missense change (SIFT: "Deleterious"; PolyPhen-2: "Probably Damaging"; Align-GVGD: "Class C0"). In summary, the available evidence is currently insufficient to determine the role of this variant in disease. Therefore, it has been classified as a Variant of Uncertain Significance.

Mendelics
Classification: Likely pathogenic for Mitochondrial short-chain Enoyl-Coa hydratase 1 deficiency. Last evaluated: 2019-05-28. Review status: criteria provided, single submitter. Criteria: Mendelics Assertion Criteria 2017. Collection method: clinical testing. Allele origin: unknown.

GeneDx
Classification: Uncertain significance. Last evaluated: 2019-04-05. Review status: criteria provided, single submitter. Criteria: GeneDx Variant Classification Process June 2021. Collection method: clinical testing. Allele origin: germline. Affected: yes.
Comment: Not observed at a significant frequency in large population cohorts (Lek et al., 2016); In silico analysis, which includes protein predictors and evolutionary conservation, supports a deleterious effect; This variant is associated with the following publications: (PMID: 30634555)

Literature cited by the submitters: PubMed 30634555 (cited by Labcorp Genetics (formerly Invitae), Labcorp); PubMed 32677093 (cited by Labcorp Genetics (formerly Invitae), Labcorp).